The following is an entry in ClinVar:

NM_000368.5(TSC1):c.2867A>G (p.Gln956Arg)

Gene: TSC1 (TSC complex subunit 1; minus strand). Cytogenetic location: 9q34.13.
Variant type: single nucleotide variant.
Coding change: c.2867A>G on transcript NM_000368.5 (MANE Select); coding-DNA position 2867, A replaced by G.
Protein change: p.Gln956Arg; replaces glutamine 956 with arginine.
Molecular consequence: missense variant.
Genome position (GRCh38, 1-based): chr9:132,897,292, T>C on the plus strand (A>G on the coding strand, the complement: TSC1 is on the minus strand). VCF-style: chr9-132897292-T-C. GRCh37 (hg19) VCF-style: chr9-135772679-T-C.
Other names: c.2864A>G, p.Gln955Arg (NM_001162426.2); c.2714A>G, p.Gln905Arg (NM_001162427.2); c.2504A>G, p.Gln835Arg (NM_001362177.2); short protein forms Q956R, Q835R, Q905R, Q955R.
Identifiers: ClinVar variation 534470 (VCV000534470.14), dbSNP rs1212768461, ClinGen allele CA375368832.
Genomic context (GRCh38, chr9:132,897,292, plus strand): 5'-TTCAGGAGGCCATCTTTCTCCAACCTGCCATATAAATCTAAGATCTCCAATTCAAACACC[T>C]GGGTTATCCTTTTCTGAGCCTCATACCTGCTCTCTGCGGCCTGCAGCTGTCCTCTGAAAG-3'
Protein context (NP_000359.1, residues 946-966): SRYEAQKRIT[Gln956Arg]VFELEILDLY

ClinVar aggregate classification (germline): Conflicting classifications of pathogenicity. Review status: criteria provided, conflicting classifications (1 of 4 stars). 4 submissions from 4 submitters: Uncertain significance (2); Likely benign (2). Last evaluated 2025-07-14.

Conditions:
Tuberous sclerosis syndrome (TSC). Also called: Tuberous Sclerosis Complex; Tuberous sclerosis. Identifiers: Orphanet 805, MedGen C0041341, MONDO:0001734.
Tuberous sclerosis 1 (TSC1). Identifiers: Orphanet 805, MedGen C1854465, MONDO:0008612, OMIM 191100.
Hereditary cancer-predisposing syndrome. Also called: Neoplastic Syndromes, Hereditary; Hereditary neoplastic syndrome; Tumor predisposition; Hereditary Cancer Syndrome. Identifiers: Orphanet 140162, MedGen C0027672, MeSH D009386, MONDO:0015356.

Allele frequency attached by ClinVar (database versions not stated): gnomAD exomes below 0.00001; TOPMed below 0.00001; gnomAD 0.00001.
gnomAD v4.1: 4 of 1,614,122 alleles (0.00025%); highest among the groups gnomAD compares: Non-Finnish European, 0.00034%; no homozygotes.

Submissions (4):

Color Diagnostics, LLC DBA Color Health
Classification: Uncertain significance for Tuberous sclerosis syndrome. Last evaluated: 2025-07-14. Review status: criteria provided, single submitter. Criteria: ACMG Guidelines, 2015. Collection method: clinical testing. Allele origin: germline.
Comment: This missense variant replaces glutamine with arginine at codon 956 of the TSC1 protein. Computational prediction suggests that this variant may not impact protein structure and function. To our knowledge, functional studies have not been reported for this variant. This variant has not been reported in individuals affected with TSC1-related disorders in the literature. This variant has been identified in 1/31392 chromosomes in the general population by the Genome Aggregation Database (gnomAD). The available evidence is insufficient to determine the role of this variant in disease conclusively. Therefore, this variant is classified as a Variant of Uncertain Significance.

Labcorp Genetics (formerly Invitae), Labcorp
Classification: Likely benign for Tuberous sclerosis 1. Last evaluated: 2025-04-01. Review status: criteria provided, single submitter. Criteria: Invitae Variant Classification Sherloc (09022015). Collection method: clinical testing. Allele origin: germline.

Ambry Genetics
Classification: Likely benign for Hereditary cancer-predisposing syndrome. Last evaluated: 2024-10-08. Review status: criteria provided, single submitter. Criteria: Ambry Variant Classification Scheme 2023. Collection method: clinical testing. Allele origin: germline.

GeneDx
Classification: Uncertain significance. Last evaluated: 2024-03-05. Review status: criteria provided, single submitter. Criteria: GeneDx Variant Classification Process June 2021. Collection method: clinical testing. Allele origin: germline. Affected: yes.
Comment: In silico analysis supports that this missense variant does not alter protein structure/function; Has not been previously published as pathogenic or benign to our knowledge; This variant is associated with the following publications: (PMID: 18466115)